The following is an entry in ClinVar:

ClinVar aggregate classification (germline): Conflicting classifications of pathogenicity. Review status: criteria provided, conflicting classifications (1 of 4 stars). 2 submissions from 2 submitters: Uncertain significance (1); Likely benign (1). Last evaluated 2024-10-19.

Allele frequency attached by ClinVar (database versions not stated): ExAC 0.00010; gnomAD 0.00011 and 0.00012; gnomAD exomes 0.00012 and 0.00023; TOPMed 0.00016.
gnomAD v4.1: 363 of 1,613,756 alleles (0.022%); highest among the groups gnomAD compares: Non-Finnish European, 0.029%; no homozygotes.

Submissions (2):

Ambry Genetics
Classification: Uncertain significance. Last evaluated: 2024-10-19. Review status: criteria provided, single submitter. Criteria: Ambry Variant Classification Scheme 2023. Collection method: clinical testing. Allele origin: germline.

CeGaT Center for Human Genetics Tuebingen
Classification: Likely benign. Last evaluated: 2022-03-01. Review status: criteria provided, single submitter. Criteria: CeGaT Center For Human Genetics Tuebingen Variant Classification Criteria Version 2. Collection method: clinical testing. Allele origin: germline. Affected: yes. Observed: 1 variant allele.
Comment: DAB1: BS1

NM_001365792.1(DAB1):c.359T>C (p.Ile120Thr)

Gene: DAB1 (DAB adaptor protein 1; minus strand). Cytogenetic location: 1p32.2.
Variant type: single nucleotide variant.
Coding change: c.359T>C on transcript NM_001365792.1 (MANE Select); coding-DNA position 359, T replaced by C.
Protein change: p.Ile120Thr; replaces isoleucine 120 with threonine.
Molecular consequence: missense variant.
Genome position (GRCh38, 1-based): chr1:57,072,362, A>G on the plus strand (T>C on the coding strand, the complement: DAB1 is on the minus strand). VCF-style: chr1-57072362-A-G. GRCh37 (hg19) VCF-style: chr1-57538035-A-G.
Other names: c.359T>C, p.Ile120Thr (NM_001353983.2, NM_001353985.2, NM_001353986.2 and 4 more transcripts); c.359T>C (NM_021080.3); short protein forms I120T.
Identifiers: ClinVar variation 1675367 (VCV001675367.34), dbSNP rs570170859, ClinGen allele CA876604.